The following is an entry in ClinVar:

ClinVar aggregate classification (germline): Uncertain significance (1 of 4 stars; one submission).

Conditions:
Supravalvar aortic stenosis (SVAS). Also called: Supravalvar aortic stenosis, Eisenberg type. Identifiers: Orphanet 3193, MedGen C0003499, MONDO:0008504, OMIM 185500, HP:0004381.

Allele frequency attached by ClinVar (database versions not stated): gnomAD exomes below 0.00001; TOPMed below 0.00001.
gnomAD v4.1: 2 of 1,607,154 alleles (0.00012%); highest among the groups gnomAD compares: Admixed American, 0.0017%; no homozygotes.

Submission:

Labcorp Genetics (formerly Invitae), Labcorp
Classification: Uncertain significance for Supravalvar aortic stenosis. Last evaluated: 2025-10-27. Review status: criteria provided, single submitter. Criteria: Invitae Variant Classification Sherloc (09022015). Collection method: clinical testing. Allele origin: germline.
Comment: This sequence change replaces glycine, which is neutral and non-polar, with arginine, which is basic and polar, at codon 27 of the ELN protein (p.Gly27Arg). The frequency data for this variant in the population databases is considered unreliable, as metrics indicate poor data quality at this position in the gnomAD database. This variant has not been reported in the literature in individuals affected with ELN-related conditions. ClinVar contains an entry for this variant (Variation ID: 1930980). Invitae Evidence Modeling of protein sequence and biophysical properties (such as structural, functional, and spatial information, amino acid conservation, physicochemical variation, residue mobility, and thermodynamic stability) indicates that this missense variant is not expected to disrupt ELN protein function with a negative predictive value of 80%. In summary, the available evidence is currently insufficient to determine the role of this variant in disease. Therefore, it has been classified as a Variant of Uncertain Significance.

NM_000501.4(ELN):c.79G>A (p.Gly27Arg)

Gene: ELN (elastin; plus strand). Cytogenetic location: 7q11.23.
Variant type: single nucleotide variant.
Coding change: c.79G>A on transcript NM_000501.4 (MANE Select); coding-DNA position 79, G replaced by A.
Protein change: p.Gly27Arg; replaces glycine 27 with arginine.
Molecular consequence: missense variant.
Genome position (GRCh38, 1-based): chr7:74,028,266, G>A. VCF-style: chr7-74028266-G-A. GRCh37 (hg19) VCF-style: chr7-73442596-G-A.
Other names: c.79G>A, p.Gly27Arg (NM_001081752.3, NM_001081753.3, NM_001081754.3 and 9 more transcripts); short protein forms G27R.
Identifiers: ClinVar variation 1930980 (VCV001930980.5), dbSNP rs1554660123, ClinGen allele CA367868755.